The following is an entry in ClinVar:

NM_001365951.3(KIF1B):c.5398G>A (p.Gly1800Ser)

Gene: KIF1B (kinesin family member 1B; plus strand). Cytogenetic location: 1p36.22.
Variant type: single nucleotide variant.
Coding change: c.5398G>A on transcript NM_001365951.3 (MANE Select); coding-DNA position 5398, G replaced by A.
Protein change: p.Gly1800Ser; replaces glycine 1800 with serine.
Molecular consequence: missense variant.
Genome position (GRCh38, 1-based): chr1:10,375,363, G>A. VCF-style: chr1-10375363-G-A. GRCh37 (hg19) VCF-style: chr1-10435421-G-A.
Other names: c.5398G>A, p.Gly1800Ser (NM_001365952.1); c.5260G>A, p.Gly1754Ser (NM_015074.3); short protein forms G1754S, G1800S.
Identifiers: ClinVar variation 2851852 (VCV002851852.4), dbSNP rs1306402753, ClinGen allele CA338332037.
Genomic context (GRCh38, chr1:10,375,363, plus strand): 5'-CAGGCCCTCAATGACAAAGACATGAACGACTGGTTGTATGCCTTCAACCCACTTCTAGCT[G>A]GCACAATACGGTAAGAAGTTTTGTTGTTGTTGTTGTTGTTTTTGAGACGGAGTCTCACTT-3'
Protein context (NP_001352880.1, residues 1790-1810): WLYAFNPLLA[Gly1800Ser]TIRSKLSRRC

ClinVar aggregate classification (germline): Uncertain significance. Review status: criteria provided, multiple submitters, no conflicts (2 of 4 stars). 2 submissions from 2 submitters: Uncertain significance (2). Last evaluated 2024-05-13.

Conditions:
Charcot-Marie-Tooth disease type 2. Also called: Charcot-Marie-Tooth type 2. Identifiers: Orphanet 64746, MedGen C0270914, MONDO:0018993.

gnomAD v4.1: 1 of 1,611,850 alleles (0.000062%); no homozygotes.

Submissions (2):

Ambry Genetics
Classification: Uncertain significance. Last evaluated: 2024-05-13. Review status: criteria provided, single submitter. Criteria: Ambry Variant Classification Scheme 2023. Collection method: clinical testing. Allele origin: germline.
Comment: The p.G1754S variant (also known as c.5260G>A), located in coding exon 45 of the KIF1B gene, results from a G to A substitution at nucleotide position 5260. The glycine at codon 1754 is replaced by serine, an amino acid with similar properties. This amino acid position is conserved. In addition, this alteration is predicted to be deleterious by in silico analysis. Based on the available evidence, the clinical significance of this variant remains unclear.

Labcorp Genetics (formerly Invitae), Labcorp
Classification: Uncertain significance for Charcot-Marie-Tooth disease type 2. Last evaluated: 2022-12-13. Review status: criteria provided, single submitter. Criteria: Invitae Variant Classification Sherloc (09022015). Collection method: clinical testing. Allele origin: germline.
Comment: In summary, the available evidence is currently insufficient to determine the role of this variant in disease. Therefore, it has been classified as a Variant of Uncertain Significance. Algorithms developed to predict the effect of missense changes on protein structure and function are either unavailable or do not agree on the potential impact of this missense change (SIFT: "Deleterious"; PolyPhen-2: "Probably Damaging"; Align-GVGD: "Class C0"). This variant has not been reported in the literature in individuals affected with KIF1B-related conditions. This variant is present in population databases (no rsID available, gnomAD 0.0009%). This sequence change replaces glycine, which is neutral and non-polar, with serine, which is neutral and polar, at codon 1754 of the KIF1B protein (p.Gly1754Ser).